The following is an entry in ClinVar:

NM_001010892.3(RSPH4A):c.905A>G (p.Glu302Gly)

Gene: RSPH4A (radial spoke head component 4A; plus strand). Cytogenetic location: 6q22.1.
Variant type: single nucleotide variant.
Coding change: c.905A>G on transcript NM_001010892.3 (MANE Select); coding-DNA position 905, A replaced by G.
Protein change: p.Glu302Gly; replaces glutamic acid 302 with glycine.
Molecular consequence: missense variant.
Genome position (GRCh38, 1-based): chr6:116,622,986, A>G. VCF-style: chr6-116622986-A-G. GRCh37 (hg19) VCF-style: chr6-116944149-A-G.
Other names: c.905A>G, p.Glu302Gly (NM_001161664.2); short protein forms E302G.
Identifiers: ClinVar variation 3654968 (VCV003654968.2).

ClinVar aggregate classification (germline): Uncertain significance (1 of 4 stars; one submission).

Conditions:
Primary ciliary dyskinesia. Also called: Ciliary dyskinesia. Identifiers: Orphanet 244, MedGen C0008780, MONDO:0016575, HP:0012265.

Submission:

Labcorp Genetics (formerly Invitae), Labcorp
Classification: Uncertain significance for Primary ciliary dyskinesia. Last evaluated: 2024-06-08. Review status: criteria provided, single submitter. Criteria: Invitae Variant Classification Sherloc (09022015). Collection method: clinical testing. Allele origin: germline.
Comment: This sequence change replaces glutamic acid, which is acidic and polar, with glycine, which is neutral and non-polar, at codon 302 of the RSPH4A protein (p.Glu302Gly). This variant is not present in population databases (gnomAD no frequency). This variant has not been reported in the literature in individuals affected with RSPH4A-related conditions. Advanced modeling of protein sequence and biophysical properties (such as structural, functional, and spatial information, amino acid conservation, physicochemical variation, residue mobility, and thermodynamic stability) performed at Invitae indicates that this missense variant is not expected to disrupt RSPH4A protein function with a negative predictive value of 80%. In summary, the available evidence is currently insufficient to determine the role of this variant in disease. Therefore, it has been classified as a Variant of Uncertain Significance.